The following is an entry in ClinVar:

NM_000755.5(CRAT):c.327G>C (p.Gln109His)

Gene: CRAT (carnitine O-acetyltransferase; minus strand). Cytogenetic location: 9q34.11.
Variant type: single nucleotide variant.
Coding change: c.327G>C on transcript NM_000755.5 (MANE Select); coding-DNA position 327, G replaced by C.
Protein change: p.Gln109His; replaces glutamine 109 with histidine.
Molecular consequence: missense variant.
Genome position (GRCh38, 1-based): chr9:129,104,271, C>G on the plus strand (G>C on the coding strand, the complement: CRAT is on the minus strand). VCF-style: chr9-129104271-C-G. GRCh37 (hg19) VCF-style: chr9-131866550-C-G.
Other names: c.264G>C, p.Gln88His (NM_001257363.3, NM_001346548.2, NM_004003.4); c.330G>C, p.Gln110His (NM_001346546.2); c.327G>C, p.Gln109His (NM_001346547.2); c.207G>C, p.Gln69His (NM_001346549.2); short protein forms Q69H, Q88H, Q109H, Q110H.
Identifiers: ClinVar variation 3652934 (VCV003652934.2).

ClinVar aggregate classification (germline): Uncertain significance (1 of 4 stars; one submission).

Submission:

Labcorp Genetics (formerly Invitae), Labcorp
Classification: Uncertain significance. Last evaluated: 2024-07-12. Review status: criteria provided, single submitter. Criteria: Invitae Variant Classification Sherloc (09022015). Collection method: clinical testing. Allele origin: germline.
Comment: This sequence change replaces glutamine, which is neutral and polar, with histidine, which is basic and polar, at codon 109 of the CRAT protein (p.Gln109His). This variant is not present in population databases (gnomAD no frequency). This variant has not been reported in the literature in individuals affected with CRAT-related conditions. Advanced modeling of protein sequence and biophysical properties (such as structural, functional, and spatial information, amino acid conservation, physicochemical variation, residue mobility, and thermodynamic stability) performed at Invitae indicates that this missense variant is not expected to disrupt CRAT protein function with a negative predictive value of 80%. In summary, the available evidence is currently insufficient to determine the role of this variant in disease. Therefore, it has been classified as a Variant of Uncertain Significance.